The following is an entry in ClinVar:

NM_015559.3(SETBP1):c.754C>T (p.Pro252Ser)

Gene: SETBP1 (SET binding protein 1; plus strand). Cytogenetic location: 18q12.3.
Variant type: single nucleotide variant.
Coding change: c.754C>T on transcript NM_015559.3 (MANE Select); coding-DNA position 754, C replaced by T.
Protein change: p.Pro252Ser; replaces proline 252 with serine.
Molecular consequence: missense variant.
Genome position (GRCh38, 1-based): chr18:44,950,094, C>T. VCF-style: chr18-44950094-C-T. GRCh37 (hg19) VCF-style: chr18-42530059-C-T.
Other names: c.754C>T, p.Pro252Ser (NM_001379141.1, NM_001379142.1, NM_001410862.1); short protein forms P252S.
Identifiers: ClinVar variation 2136112 (VCV002136112.3), dbSNP rs1692521993, ClinGen allele CA402316770.
Genomic context (GRCh38, chr18:44,950,094, plus strand): 5'-ACTCAGAATTGCTTCATCAGTCCAGAGTCTGGCAGAGAAACTGCAAGCACCAGCAAGATC[C>T]CCGCTCTTGAGCCCGTGGCTTCCTTTGCAAAGGCCCAGGGTAAGAAAGGCAGTGCAGGGA-3'
Protein context (NP_056374.2, residues 242-262): GRETASTSKI[Pro252Ser]ALEPVASFAK

ClinVar aggregate classification (germline): Uncertain significance. Review status: criteria provided, multiple submitters, no conflicts (2 of 4 stars). 2 submissions from 2 submitters: Uncertain significance (2). Last evaluated 2025-01-30.

Allele frequency attached by ClinVar (database versions not stated): gnomAD 0.00001.
gnomAD v4.1: 1 of 1,614,062 alleles (0.000062%); highest among the groups gnomAD compares: African/African-American, 0.0013%; no homozygotes.

Submissions (2):

Labcorp Genetics (formerly Invitae), Labcorp
Classification: Uncertain significance. Last evaluated: 2025-01-30. Review status: criteria provided, single submitter. Criteria: Invitae Variant Classification Sherloc (09022015). Collection method: clinical testing. Allele origin: germline.
Comment: This sequence change replaces proline, which is neutral and non-polar, with serine, which is neutral and polar, at codon 252 of the SETBP1 protein (p.Pro252Ser). This variant is not present in population databases (gnomAD no frequency). This variant has not been reported in the literature in individuals affected with SETBP1-related conditions. ClinVar contains an entry for this variant (Variation ID: 2136112). Invitae Evidence Modeling of protein sequence and biophysical properties (such as structural, functional, and spatial information, amino acid conservation, physicochemical variation, residue mobility, and thermodynamic stability) indicates that this missense variant is not expected to disrupt SETBP1 protein function with a negative predictive value of 80%. In summary, the available evidence is currently insufficient to determine the role of this variant in disease. Therefore, it has been classified as a Variant of Uncertain Significance.

GeneDx
Classification: Uncertain significance. Last evaluated: 2022-07-20. Review status: criteria provided, single submitter. Criteria: GeneDx Variant Classification Process June 2021. Collection method: clinical testing. Allele origin: germline. Affected: yes.
Comment: Not observed at significant frequency in large population cohorts (gnomAD); In silico analysis supports that this missense variant has a deleterious effect on protein structure/function; Has not been previously published as pathogenic or benign to our knowledge